The following is an entry in ClinVar:

NM_032776.3(JMJD1C):c.2455C>A (p.His819Asn)

Gene: JMJD1C (jumonji domain containing 1C; minus strand). Cytogenetic location: 10q21.3.
Variant type: single nucleotide variant.
Coding change: c.2455C>A on transcript NM_032776.3 (MANE Select); coding-DNA position 2455, C replaced by A.
Protein change: p.His819Asn; replaces histidine 819 with asparagine.
Molecular consequence: missense variant. On other transcripts: non-coding transcript variant (1).
Genome position (GRCh38, 1-based): chr10:63,213,712, G>T on the plus strand (C>A on the coding strand, the complement: JMJD1C is on the minus strand). VCF-style: chr10-63213712-G-T. GRCh37 (hg19) VCF-style: chr10-64973472-G-T.
Other names: c.1909C>A, p.His637Asn (NM_001282948.2, NM_001318154.2); c.1591C>A, p.His531Asn (NM_001318153.2); c.2341C>A, p.His781Asn (NM_001322252.2); c.1798C>A, p.His600Asn (NM_001322254.2, NM_001322258.2); short protein forms H637N, H781N, H819N, H531N, H600N.
Identifiers: ClinVar variation 2893364 (VCV002893364.3), dbSNP rs755245590, ClinGen allele CA5518631.
Genomic context (GRCh38, chr10:63,213,712, plus strand): 5'-GCTGTAACAACTGTTGTTGTTGCTGGTGTGCTAGCGCTAAGTGGCTCAAGCTGCTGGCAT[G>T]AGCACTCTCTAGTCGTGGGTGGCCACCAAGTAAGGAGGCAGTAGGCACTCCAGGTAACAC-3'
Protein context (NP_116165.1, residues 809-829): LGGHPRLESA[His819Asn]ASSLSHLALA

ClinVar aggregate classification (germline): Uncertain significance (1 of 4 stars; one submission).

Conditions:
Early Myoclonic Encephalopathy. Identifiers: MedGen C0270855.

gnomAD v4.1: 8 of 1,614,078 alleles (0.0005%); highest among the groups gnomAD compares: African/African-American, 0.004%; no homozygotes.

Submission:

Labcorp Genetics (formerly Invitae), Labcorp
Classification: Uncertain significance for Early Myoclonic Encephalopathy. Last evaluated: 2024-01-14. Review status: criteria provided, single submitter. Criteria: Invitae Variant Classification Sherloc (09022015). Collection method: clinical testing. Allele origin: germline.
Comment: This sequence change replaces histidine, which is basic and polar, with asparagine, which is neutral and polar, at codon 819 of the JMJD1C protein (p.His819Asn). This variant is present in population databases (rs755245590, gnomAD 0.04%). This variant has not been reported in the literature in individuals affected with JMJD1C-related conditions. An algorithm developed to predict the effect of missense changes on protein structure and function (PolyPhen-2) suggests that this variant is likely to be disruptive. In summary, the available evidence is currently insufficient to determine the role of this variant in disease. Therefore, it has been classified as a Variant of Uncertain Significance.